The following is an entry in ClinVar:

NM_001042492.3(NF1):c.1745G>C (p.Cys582Ser)

Gene: NF1 (neurofibromin 1; plus strand). Cytogenetic location: 17q11.2.
Variant type: single nucleotide variant.
Coding change: c.1745G>C on transcript NM_001042492.3 (MANE Select); coding-DNA position 1745, G replaced by C.
Protein change: p.Cys582Ser; replaces cysteine 582 with serine.
Molecular consequence: missense variant.
Genome position (GRCh38, 1-based): chr17:31,223,467, G>C. VCF-style: chr17-31223467-G-C. GRCh37 (hg19) VCF-style: chr17-29550485-G-C.
Other names: c.1745G>C, p.Cys582Ser (NM_000267.4); short protein forms C582S.
Identifiers: ClinVar variation 1038073 (VCV001038073.6), dbSNP rs2066962321, ClinGen allele CA399004082.
Genomic context (GRCh38, chr17:31,223,467, plus strand): 5'-GATGATGCTAGTAACAATGAACTTTATGTTACTGCAGCTCACAAATGCTTTTTTACATCT[G>C]CAAGAAATTAACTAGTCATCAAATGCTTAGTAGCACAGAAATTCTCAAGTGGTTGCGGGA-3'
Protein context (NP_001035957.1, residues 572-592): EISSQMLFYI[Cys582Ser]KKLTSHQMLS

ClinVar aggregate classification (germline): Uncertain significance. Review status: criteria provided, multiple submitters, no conflicts (2 of 4 stars). 2 submissions from 2 submitters: Uncertain significance (2). Last evaluated 2025-05-15.

Conditions:
Hereditary cancer-predisposing syndrome. Also called: Neoplastic Syndromes, Hereditary; Hereditary Cancer Syndrome; Tumor predisposition; Hereditary neoplastic syndrome. Identifiers: Orphanet 140162, MedGen C0027672, MeSH D009386, MONDO:0015356.
Cardiovascular phenotype. Identifiers: MedGen CN230736.
Neurofibromatosis, type 1 (NF1). Also called: NEUROFIBROMATOSIS, TYPE I, SOMATIC; VON RECKLINGHAUSEN DISEASE; Peripheral type neurofibromatosis; Neurofibromatosis, type I. Identifiers: Orphanet 636, MedGen C0027831, MONDO:0018975, OMIM 162200. Disease mechanism: loss of function.

Submissions (2):

Ambry Genetics
Classification: Uncertain significance for Cardiovascular phenotype; Hereditary cancer-predisposing syndrome. Last evaluated: 2025-05-15. Review status: criteria provided, single submitter. Criteria: Ambry Variant Classification Scheme 2023. Collection method: clinical testing. Allele origin: germline.
Comment: The p.C582S variant (also known as c.1745G>C), located in coding exon 16 of the NF1 gene, results from a G to C substitution at nucleotide position 1745. The cysteine at codon 582 is replaced by serine, an amino acid with dissimilar properties. This amino acid position is highly conserved in available vertebrate species. In addition, this alteration is predicted to be deleterious by in silico analysis. Based on the available evidence, the clinical significance of this variant remains unclear.

Labcorp Genetics (formerly Invitae), Labcorp
Classification: Uncertain significance for Neurofibromatosis, type 1. Last evaluated: 2025-05-01. Review status: criteria provided, single submitter. Criteria: Invitae Variant Classification Sherloc (09022015). Collection method: clinical testing. Allele origin: germline.
Comment: This sequence change replaces cysteine, which is neutral and slightly polar, with serine, which is neutral and polar, at codon 582 of the NF1 protein (p.Cys582Ser). This variant is not present in population databases (gnomAD no frequency). This variant has not been reported in the literature in individuals affected with NF1-related conditions. ClinVar contains an entry for this variant (Variation ID: 1038073). Invitae Evidence Modeling of protein sequence and biophysical properties (such as structural, functional, and spatial information, amino acid conservation, physicochemical variation, residue mobility, and thermodynamic stability) indicates that this missense variant is not expected to disrupt NF1 protein function with a negative predictive value of 95%. In summary, the available evidence is currently insufficient to determine the role of this variant in disease. Therefore, it has been classified as a Variant of Uncertain Significance.